The following is an entry in ClinVar:

NM_001377.3(DYNC2H1):c.3129del (p.Leu1044fs)

Gene: DYNC2H1 (dynein cytoplasmic 2 heavy chain 1; plus strand). Cytogenetic location: 11q22.3.
Variant type: Deletion.
Coding change: c.3129del on transcript NM_001377.3 (MANE Select); coding-DNA position 3129, one base deleted (T; older notation c.3129delT).
Protein change: p.Leu1044fs; shifts the reading frame from leucine 1044.
Molecular consequence: frameshift variant.
Genome position (GRCh38, 1-based): chr11:103,153,335, T deleted. VCF-style (leftmost placement, unchanged base first): chr11-103153334-GT-G. GRCh37 (hg19) VCF-style: chr11-103024063-GT-G.
Other names: c.3129del, p.Leu1044fs (NM_001080463.2); short protein forms L1044fs.
Identifiers: ClinVar variation 5000675 (VCV005000675.1).
Genomic context (GRCh38, chr11:103,153,334, plus strand): 5'-TAAATTATTTAAATTTTATTGGCTTATAGATTGAAGTGATGAAAGGAAATGTGAAATCAC[GT>G]CTTCAGATCTATTATCAAGAACTGGAAAAATTTAAAGCTCGTTGGGACCAACTAAAGCCT-3'

ClinVar aggregate classification (germline): Likely pathogenic (1 of 4 stars; one submission).

Conditions:
DYNC2H1-related disorder. Also called: DYNC2H1-related disorders; DYNC2H1-related condition. Identifiers: MedGen CN378770.

Submission:

PreventionGenetics, part of Exact Sciences
Classification: Likely pathogenic for DYNC2H1-related condition. Last evaluated: 2025-02-08. Review status: criteria provided, single submitter. Criteria: ACMG Guidelines, 2015. Collection method: clinical testing. Allele origin: germline.
Comment: The DYNC2H1 c.3129delT variant is predicted to result in a frameshift and premature protein termination (p.Leu1044Phefs*18). To our knowledge, this variant has not been reported in the literature or in a large population database (gnomAD), indicating this variant is rare. Frameshift variants in DYNC2H1 are expected to be pathogenic. This variant is interpreted as likely pathogenic.